The following is an entry in ClinVar:

ClinVar aggregate classification (germline): Uncertain significance (1 of 4 stars; one submission).

Conditions:
Catecholaminergic polymorphic ventricular tachycardia 1. Also called: RYR2-Related Catecholaminergic Polymorphic Ventricular Tachycardia; VENTRICULAR TACHYCARDIA, STRESS-INDUCED POLYMORPHIC 1; VENTRICULAR TACHYCARDIA, CATECHOLAMINERGIC POLYMORPHIC, 1, WITH OR WITHOUT ATRIAL DYSFUNCTION AND/OR DILATED CARDIOMYOPATHY. Identifiers: Orphanet 3286, MedGen C1631597, MONDO:0011484, OMIM 604772.

Submission:

Labcorp Genetics (formerly Invitae), Labcorp
Classification: Uncertain significance for Catecholaminergic polymorphic ventricular tachycardia 1. Last evaluated: 2021-09-02. Review status: criteria provided, single submitter. Criteria: Invitae Variant Classification Sherloc (09022015). Collection method: clinical testing. Allele origin: germline.
Comment: This sequence change replaces asparagine with aspartic acid at codon 390 of the CASQ2 protein (p.Asn390Asp). The asparagine residue is weakly conserved and there is a small physicochemical difference between asparagine and aspartic acid. This variant is not present in population databases (ExAC no frequency). This variant has not been reported in the literature in individuals affected with CASQ2-related conditions. Algorithms developed to predict the effect of missense changes on protein structure and function output the following: SIFT: "Tolerated"; PolyPhen-2: "Not Available"; Align-GVGD: "Class C0". The aspartic acid amino acid residue is found in multiple mammalian species, which suggests that this missense change does not adversely affect protein function. In summary, the available evidence is currently insufficient to determine the role of this variant in disease. Therefore, it has been classified as a Variant of Uncertain Significance.

NM_001232.4(CASQ2):c.1168A>G (p.Asn390Asp)

Gene: CASQ2 (calsequestrin 2; minus strand). Cytogenetic location: 1p13.1.
Variant type: single nucleotide variant.
Coding change: c.1168A>G on transcript NM_001232.4 (MANE Select); coding-DNA position 1168, A replaced by G.
Protein change: p.Asn390Asp; replaces asparagine 390 with aspartic acid.
Molecular consequence: missense variant.
Genome position (GRCh38, 1-based): chr1:115,701,273, T>C on the plus strand (A>G on the coding strand, the complement: CASQ2 is on the minus strand). VCF-style: chr1-115701273-T-C. GRCh37 (hg19) VCF-style: chr1-116243894-T-C.
Other names: short protein forms N390D.
Identifiers: ClinVar variation 643779 (VCV000643779.7), dbSNP rs1570791816, ClinGen allele CA341766205.
Genomic context (GRCh38, chr1:115,701,273, plus strand): 5'-GTTTTCATCAGAATTGTTTGGAGTTGGGCTATTCATCATCATCGTCATCACTGTCATCAT[T>C]ATCCTCTTCATCAGAATTATCATCATCATCATCATCTTCATCATCATCTTCAGTGTTTAT-3'
Protein context (NP_001223.2, residues 380-399): DDDDNSDEED[Asn390Asp]DDSDDDDDE